The following is an entry in ClinVar:

ClinVar aggregate classification (germline): Uncertain significance. Review status: criteria provided, multiple submitters, no conflicts (2 of 4 stars). 2 submissions from 2 submitters: Uncertain significance (2). Last evaluated 2025-08-21.

Conditions:
Familial cold autoinflammatory syndrome 3 (FCAS3). Also called: ANTIBODY DEFICIENCY AND IMMUNE DYSREGULATION, PLCG2-ASSOCIATED; FAMILIAL ATYPICAL COLD URTICARIA. Identifiers: Orphanet 300359, MedGen C3280914, MONDO:0013766, OMIM 614468.

Allele frequency attached by ClinVar (database versions not stated): ExAC 0.00001; gnomAD 0.00001; TOPMed 0.00003.
gnomAD v4.1: 22 of 1,613,778 alleles (0.0014%); highest among the groups gnomAD compares: East Asian, 0.0045%; no homozygotes.

Submissions (2):

Labcorp Genetics (formerly Invitae), Labcorp
Classification: Uncertain significance for Familial cold autoinflammatory syndrome 3. Last evaluated: 2025-08-21. Review status: criteria provided, single submitter. Criteria: Invitae Variant Classification Sherloc (09022015). Collection method: clinical testing. Allele origin: germline.
Comment: This sequence change replaces isoleucine, which is neutral and non-polar, with threonine, which is neutral and polar, at codon 509 of the PLCG2 protein (p.Ile509Thr). This variant is present in population databases (rs753771037, gnomAD 0.004%). This variant has not been reported in the literature in individuals affected with PLCG2-related conditions. ClinVar contains an entry for this variant (Variation ID: 2172913). An algorithm developed to predict the effect of missense changes on protein structure and function (PolyPhen-2) suggests that this variant is likely to be tolerated. In summary, the available evidence is currently insufficient to determine the role of this variant in disease. Therefore, it has been classified as a Variant of Uncertain Significance.

Blueprint Genetics
Classification: Uncertain significance. Last evaluated: 2024-09-13. Review status: criteria provided, single submitter. Criteria: ACMG Guidelines, 2015. Collection method: clinical testing. Allele origin: germline.

NM_002661.5(PLCG2):c.1526T>C (p.Ile509Thr)

Gene: PLCG2 (phospholipase C gamma 2; plus strand). Cytogenetic location: 16q23.3.
Variant type: single nucleotide variant.
Coding change: c.1526T>C on transcript NM_002661.5 (MANE Select); coding-DNA position 1526, T replaced by C.
Protein change: p.Ile509Thr; replaces isoleucine 509 with threonine.
Molecular consequence: missense variant.
Genome position (GRCh38, 1-based): chr16:81,907,743, T>C. VCF-style: chr16-81907743-T-C. GRCh37 (hg19) VCF-style: chr16-81941348-T-C.
Other names: short protein forms I509T.
Identifiers: ClinVar variation 2172913 (VCV002172913.5), dbSNP rs753771037, ClinGen allele CA8193812.